The following is an entry in ClinVar:

ClinVar aggregate classification (germline): Likely benign. Review status: criteria provided, multiple submitters, no conflicts (2 of 4 stars). 2 submissions from 2 submitters: Likely benign (2). Last evaluated 2025-05-06.

gnomAD v4.1: 27 of 1,613,028 alleles (0.0017%); highest among the groups gnomAD compares: Non-Finnish European, 0.0019%; no homozygotes.

Submissions (2):

Women's Health and Genetics/Laboratory Corporation of America, LabCorp
Classification: Likely benign. Last evaluated: 2025-05-06. Review status: criteria provided, single submitter. Criteria: LabCorp Variant Classification Summary - May 2015. Collection method: clinical testing. Allele origin: germline.
Comment: Variant summary: AEBP1 c.2403C>T alters a conserved nucleotide resulting in a synonymous change. Consensus agreement among computation tools predict no significant impact on normal splicing. However, these predictions have yet to be confirmed by functional studies. The variant allele was found at a frequency of 2.4e-05 in 248850 control chromosomes. The available data on variant occurrences in the general population are insufficient to allow any conclusion about variant significance. To our knowledge, no occurrence of c.2403C>T in individuals affected with Ehlers-Danlos syndrome, classic-like, 2 and no experimental evidence demonstrating its impact on protein function have been reported. ClinVar contains an entry for this variant (Variation ID: 3625767). Based on the evidence outlined above, the variant was classified as likely benign.

Labcorp Genetics (formerly Invitae), Labcorp
Classification: Likely benign. Last evaluated: 2024-03-02. Review status: criteria provided, single submitter. Criteria: Invitae Variant Classification Sherloc (09022015). Collection method: clinical testing. Allele origin: germline.

NM_001129.5(AEBP1):c.2403C>T (p.Ser801=)

Gene: AEBP1 (AE binding protein 1; plus strand). Cytogenetic location: 7p13.
Variant type: single nucleotide variant.
Coding change: c.2403C>T on transcript NM_001129.5 (MANE Select); coding-DNA position 2403, C replaced by T.
Protein change: p.Ser801=; no amino-acid change (serine 801 retained).
Molecular consequence: synonymous variant.
Genome position (GRCh38, 1-based): chr7:44,112,743, C>T. VCF-style: chr7-44112743-C-T. GRCh37 (hg19) VCF-style: chr7-44152342-C-T.
Identifiers: ClinVar variation 3625767 (VCV003625767.3).